The following is an entry in ClinVar:

NM_005529.7(HSPG2):c.112A>G (p.Ile38Val)

Gene: HSPG2 (heparan sulfate proteoglycan 2; minus strand). Cytogenetic location: 1p36.12.
Variant type: single nucleotide variant.
Coding change: c.112A>G on transcript NM_005529.7 (MANE Select); coding-DNA position 112, A replaced by G.
Protein change: p.Ile38Val; replaces isoleucine 38 with valine.
Molecular consequence: missense variant.
Genome position (GRCh38, 1-based): chr1:21,896,262, T>C on the plus strand (A>G on the coding strand, the complement: HSPG2 is on the minus strand). VCF-style: chr1-21896262-T-C. GRCh37 (hg19) VCF-style: chr1-22222755-T-C.
Other names: c.112A>G (NM_005529.5); c.112A>G, p.Ile38Val (NM_001291860.2); short protein forms I38V.
Identifiers: ClinVar variation 1391643 (VCV001391643.10), dbSNP rs772103808, ClinGen allele CA674027.

ClinVar aggregate classification (germline): Uncertain significance. Review status: criteria provided, multiple submitters, no conflicts (2 of 4 stars). 2 submissions from 2 submitters: Uncertain significance (2). Last evaluated 2025-10-07.

Conditions:
Inborn genetic diseases. Identifiers: MedGen C0950123, MeSH D030342.

Allele frequency attached by ClinVar (database versions not stated): ExAC 0.00002; gnomAD exomes 0.00002 and 0.00004; gnomAD 0.00003 and 0.00004; TOPMed 0.00004.
gnomAD v4.1: 66 of 1,613,958 alleles (0.0041%); highest among the groups gnomAD compares: Non-Finnish European, 0.0053%; no homozygotes.

Submissions (2):

Ambry Genetics
Classification: Uncertain significance for Inborn genetic diseases. Last evaluated: 2025-10-07. Review status: criteria provided, single submitter. Criteria: Ambry Variant Classification Scheme 2023. Collection method: clinical testing. Allele origin: germline.

Labcorp Genetics (formerly Invitae), Labcorp
Classification: Uncertain significance. Last evaluated: 2021-07-12. Review status: criteria provided, single submitter. Criteria: Invitae Variant Classification Sherloc (09022015). Collection method: clinical testing. Allele origin: germline.
Comment: This sequence change replaces isoleucine with valine at codon 38 of the HSPG2 protein (p.Ile38Val). The isoleucine residue is weakly conserved and there is a small physicochemical difference between isoleucine and valine. This variant is present in population databases (rs772103808, ExAC 0.01%). This variant has not been reported in the literature in individuals with HSPG2-related conditions. Algorithms developed to predict the effect of missense changes on protein structure and function (SIFT, PolyPhen-2, Align-GVGD) all suggest that this variant is likely to be tolerated, but these predictions have not been confirmed by published functional studies and their clinical significance is uncertain. In summary, the available evidence is currently insufficient to determine the role of this variant in disease. Therefore, it has been classified as a Variant of Uncertain Significance.